The following is an entry in ClinVar:

ClinVar aggregate classification (germline): Likely pathogenic (1 of 4 stars; one submission).

Conditions:
PKD1-related disorder. Also called: PKD1-related condition.

gnomAD v4.1: 8 of 1,590,244 alleles (0.0005%); highest among the groups gnomAD compares: African/African-American, 0.0013%; no homozygotes.

Submission:

PreventionGenetics, part of Exact Sciences
Classification: Likely pathogenic for PKD1-related condition. Last evaluated: 2024-11-06. Review status: criteria provided, single submitter. Criteria: ACMG Guidelines, 2015. Collection method: clinical testing. Allele origin: germline.
Comment: The PKD1 c.7412C>T variant is predicted to result in the amino acid substitution p.Pro2471Leu. This variant was reported in an individual with autosomal dominant polycystic kidney disease (ADPKD) (Bouba et al. 2001. PubMed ID: 11571556). It is classified as “likely pathogenic” in an ADPKD-specific variants database. At PreventionGenetics, we have previously found this variant in three patients tested for PKD. This variant has not been reported in a large population database (gnomAD), indicating this variant is rare. In summary, this variant is interpreted as likely pathogenic.

NM_001009944.3(PKD1):c.7412C>T (p.Pro2471Leu)

Gene: PKD1 (polycystin 1, transient receptor potential channel interacting; minus strand). Cytogenetic location: 16p13.3.
Variant type: single nucleotide variant.
Coding change: c.7412C>T on transcript NM_001009944.3 (MANE Select); coding-DNA position 7412, C replaced by T.
Protein change: p.Pro2471Leu; replaces proline 2471 with leucine.
Molecular consequence: missense variant.
Genome position (GRCh38, 1-based): chr16:2,106,475, G>A on the plus strand (C>T on the coding strand, the complement: PKD1 is on the minus strand). VCF-style: chr16-2106475-G-A. GRCh37 (hg19) VCF-style: chr16-2156476-G-A.
Other names: c.7412C>T, p.Pro2471Leu (NM_000296.4); short protein forms P2471L.
Identifiers: ClinVar variation 4977708 (VCV004977708.1).